The following is an entry in ClinVar:

ClinVar aggregate classification (germline): Likely pathogenic (1 of 4 stars; one submission).

Conditions:
ANKS6-related disorder. Also called: ANKS6-related condition.

Submission:

PreventionGenetics, part of Exact Sciences
Classification: Likely pathogenic for ANKS6-related condition. Last evaluated: 2026-08-03. Review status: criteria provided, single submitter. Criteria: ACMG Guidelines, 2015. Collection method: clinical testing. Allele origin: germline.
Comment: The ANKS6 c.2235delG variant is predicted to result in a frameshift and premature protein termination (p.His746Thrfs*33). To our knowledge, this variant has not been reported in the literature or in a large population database (gnomAD), indicating this variant is rare. Frameshift variants in ANKS6 are expected to be pathogenic. This variant is interpreted as likely pathogenic.

NM_173551.5(ANKS6):c.2235del (p.His746fs)

Gene: ANKS6 (ankyrin repeat and sterile alpha motif domain containing 6; minus strand). Cytogenetic location: 9q22.33.
Variant type: Deletion.
Coding change: c.2235del on transcript NM_173551.5 (MANE Select); coding-DNA position 2235, one base deleted (G; older notation c.2235delG).
Protein change: p.His746fs; shifts the reading frame from histidine 746.
Molecular consequence: frameshift variant.
Genome position (GRCh38, 1-based): chr9:98,756,511, C deleted on the plus strand (G on the coding strand, the reverse complement: ANKS6 is on the minus strand); the first of 3 consecutive C bases (chr9:98,756,511-98,756,513); deleting any one gives the same sequence. VCF-style (leftmost placement, unchanged base first): chr9-98756510-GC-G. GRCh37 (hg19) VCF-style: chr9-101518792-GC-G.
Other names: short protein forms H746fs.
Identifiers: ClinVar variation 4996700 (VCV004996700.1).